The following is an entry in ClinVar:

NM_000642.3(AGL):c.2570A>C (p.Gln857Pro)

Gene: AGL (amylo-alpha-1,6-glucosidase and 4-alpha-glucanotransferase; plus strand). Cytogenetic location: 1p21.2.
Variant type: single nucleotide variant.
Coding change: c.2570A>C on transcript NM_000642.3 (MANE Select); coding-DNA position 2570, A replaced by C.
Protein change: p.Gln857Pro; replaces glutamine 857 with proline.
Molecular consequence: missense variant.
Genome position (GRCh38, 1-based): chr1:99,884,592, A>C. VCF-style: chr1-99884592-A-C. GRCh37 (hg19) VCF-style: chr1-100350148-A-C.
Other names: c.2570A>C, p.Gln857Pro (NM_000028.3, NM_000643.3, NM_000644.3 and 2 more transcripts); c.2522A>C, p.Gln841Pro (NM_000646.3); c.2369A>C, p.Gln790Pro (NM_001425327.1); c.2366A>C, p.Gln789Pro (NM_001425328.1); c.2192A>C, p.Gln731Pro (NM_001425332.1); short protein forms Q841P, Q857P, Q731P, Q789P, Q790P.
Identifiers: ClinVar variation 2006882 (VCV002006882.4), dbSNP rs2524677000, ClinGen allele CA341321585.

ClinVar aggregate classification (germline): Uncertain significance (1 of 4 stars; one submission).

Conditions:
Glycogen storage disease type III (GSD3). Also called: FORBES DISEASE; Cori disease. Identifiers: Orphanet 366, MedGen C0017922, MONDO:0009291, OMIM 232400.

Submission:

Labcorp Genetics (formerly Invitae), Labcorp
Classification: Uncertain significance for Glycogen storage disease type III. Last evaluated: 2022-06-15. Review status: criteria provided, single submitter. Criteria: Invitae Variant Classification Sherloc (09022015). Collection method: clinical testing. Allele origin: germline.
Comment: This variant is not present in population databases (gnomAD no frequency). This sequence change replaces glutamine, which is neutral and polar, with proline, which is neutral and non-polar, at codon 857 of the AGL protein (p.Gln857Pro). This variant has not been reported in the literature in individuals affected with AGL-related conditions. In summary, the available evidence is currently insufficient to determine the role of this variant in disease. Therefore, it has been classified as a Variant of Uncertain Significance. Algorithms developed to predict the effect of missense changes on protein structure and function are either unavailable or do not agree on the potential impact of this missense change (SIFT: "Tolerated"; PolyPhen-2: "Possibly Damaging"; Align-GVGD: "Class C0").